The following is an entry in ClinVar:

NM_000350.3(ABCA4):c.6317G>A (p.Arg2106His)

Gene: ABCA4 (ATP binding cassette subfamily A member 4; minus strand). Cytogenetic location: 1p22.1.
Variant type: single nucleotide variant.
Coding change: c.6317G>A on transcript NM_000350.3 (MANE Select); coding-DNA position 6317, G replaced by A.
Protein change: p.Arg2106His; replaces arginine 2106 with histidine.
Molecular consequence: missense variant.
Genome position (GRCh38, 1-based): chr1:94,001,071, C>T on the plus strand (G>A on the coding strand, the complement: ABCA4 is on the minus strand). VCF-style: chr1-94001071-C-T. GRCh37 (hg19) VCF-style: chr1-94466627-C-T.
Other names: c.6095G>A, p.Arg2032His (NM_001425324.1); short protein forms R2106H, R2032H.
Identifiers: ClinVar variation 377409 (VCV000377409.13), dbSNP rs1057520213, ClinGen allele CA16044110.

ClinVar aggregate classification (germline): Pathogenic/Likely pathogenic. Review status: criteria provided, multiple submitters, no conflicts (2 of 4 stars). 6 submissions from 6 submitters: Pathogenic (2); Likely pathogenic (4). Last evaluated 2025-06-22.

Conditions:
Retinitis pigmentosa (RP). Identifiers: Orphanet 791, MedGen C0035334, MeSH D012174, MONDO:0019200, OMIM 268000. Inheritance: Autosomal dominant, autosomal recessive and X linked inheritance.
ABCA4-related disorder. Also called: ABCA4-related disorders; ABCA4-related condition. Identifiers: MedGen CN239167.
Age related macular degeneration 2. Also called: MACULAR DEGENERATION, SENILE; MACULOPATHY, AGE-RELATED, 2; MACULOPATHY, AGE-RELATED. Identifiers: MedGen C3495438, MONDO:0007932, OMIM 153800.
Severe early-childhood-onset retinal dystrophy (STGD1). Also called: STGD; Stargardt macular dystrophy; Juvenile onset macular degeneration; Stargardt disease 1; MACULAR DYSTROPHY WITH FLECKS, TYPE 1. Identifiers: Orphanet 364055, Orphanet 827, MedGen C1855465, MeSH D000080362, MONDO:0009549, OMIM 248200.
Retinitis pigmentosa 19 (RP19). Also called: ABCA4-Related Retinitis Pigmentosa. Identifiers: Orphanet 791, MedGen C1866422, MONDO:0011137, OMIM 601718.
Cone-rod dystrophy 3 (CORD3). Identifiers: Orphanet 1872, MedGen C1858806, MONDO:0011395, OMIM 604116.
Retinal dystrophy. Also called: Inherited retinal dystrophy. Identifiers: Orphanet 71862, MedGen C0854723, MeSH D058499, MONDO:0019118, HP:0000556.

Allele frequency attached by ClinVar (database versions not stated): gnomAD exomes below 0.00001; gnomAD 0.00001.
gnomAD v4.1: 4 of 1,613,958 alleles (0.00025%); highest among the groups gnomAD compares: South Asian, 0.0022%; no homozygotes.

Submissions (6):

Labcorp Genetics (formerly Invitae), Labcorp
Classification: Pathogenic. Last evaluated: 2025-06-22. Review status: criteria provided, single submitter. Criteria: Invitae Variant Classification Sherloc (09022015). Collection method: clinical testing. Allele origin: germline.
Comment: This sequence change replaces arginine, which is basic and polar, with histidine, which is basic and polar, at codon 2106 of the ABCA4 protein (p.Arg2106His). This variant is present in population databases (no rsID available, gnomAD 0.003%). This missense change has been observed in individuals with ABCA4-related conditions (PMID: 28327576, 28947085). ClinVar contains an entry for this variant (Variation ID: 377409). Invitae Evidence Modeling of protein sequence and biophysical properties (such as structural, functional, and spatial information, amino acid conservation, physicochemical variation, residue mobility, and thermodynamic stability) indicates that this missense variant is expected to disrupt ABCA4 protein function with a positive predictive value of 95%. This variant disrupts the p.Arg2106 amino acid residue in ABCA4. Other variant(s) that disrupt this residue have been determined to be pathogenic (PMID: 11379881, 23143460, 25283059, 28355279). This suggests that this residue is clinically significant, and that variants that disrupt this residue are likely to be disease-causing. For these reasons, this variant has been classified as Pathogenic.

Fulgent Genetics
Classification: Likely pathogenic for Age related macular degeneration 2; Severe early-childhood-onset retinal dystrophy; Retinitis pigmentosa 19; Cone-rod dystrophy 3. Last evaluated: 2024-05-20. Review status: criteria provided, single submitter. Criteria: ACMG Guidelines, 2015. Collection method: clinical testing. Allele origin: germline.

Women's Health and Genetics/Laboratory Corporation of America, LabCorp
Classification: Likely pathogenic for Retinitis pigmentosa. Last evaluated: 2024-04-09. Review status: criteria provided, single submitter. Criteria: LabCorp Variant Classification Summary - May 2015. Collection method: clinical testing. Allele origin: germline.
Comment: Variant summary: ABCA4 c.6317G>A (p.Arg2106His) results in a non-conservative amino acid change located in the ABC transporter-like, ATP-binding domain (IPR003439) of the encoded protein sequence. Five of five in-silico tools predict a damaging effect of the variant on protein function. A different variant located at the same codon, c.6316C>T (p.Arg2106Cys) has been classified as Pathogenic supporting the critical relevance of the Arg 2016 codon to ABCA4 protein function. The variant allele was found at a frequency of 4e-06 in 251278 control chromosomes. c.6317G>A has been reported in the literature as a presumably biallelic compound heterozygous genotype in multiple individuals from diverse ethncities affected with features of ABCA4-associated sectrum of disease such as rapid onset Choriotetinopathy, Stargardt Disease, Cone-Rod Dystrophy and Retinitis Pigmentosa (example, Lee_2017, Tanaka_2018, Tian_2022). To our knowledge, no experimental evidence demonstrating an impact on protein function has been reported. The following publications have been ascertained in the context of this evaluation (PMID: 28327576, 28947085, 35657619). ClinVar contains an entry for this variant (Variation ID: 377409). Based on the evidence outlined above, the variant was classified as likely pathogenic.

Blueprint Genetics
Classification: Pathogenic for ABCA4-related disorders. Last evaluated: 2023-09-14. Review status: criteria provided, single submitter. Criteria: ACMG Guidelines, 2015. Collection method: clinical testing. Allele origin: germline. Affected: yes. Observed: 4 variant alleles.

Institute of Human Genetics, Univ. Regensburg, Univ. Regensburg
Classification: Likely pathogenic for Retinal dystrophy. Last evaluated: 2017-01-01. Review status: criteria provided, single submitter. Criteria: ACMG Guidelines, 2015. Collection method: clinical testing. Allele origin: germline. Affected: yes.

GeneDx
Classification: Likely pathogenic. Last evaluated: 2016-06-14. Review status: criteria provided, single submitter. Criteria: GeneDx Variant Classification (06012015). Collection method: clinical testing. Allele origin: germline. Affected: yes.
Comment: The R2106H variant has not been published as a pathogenic variant, nor has it been reported as a benign variant to our knowledge. The R2106H variant was not observed in approximately 6,500 individuals of European and African American ancestry in the NHLBI Exome Sequencing Project, indicating it is not a common benign variant in these populations. The R2106H variant is a conservative amino acid substitution, which is not likely to impact secondary protein structure as these residues share similar properties. This substitution occurs at a position that is conserved across species. In silico analysis predicts this variant is probably damaging to the protein structure/function. Missense variants in this residue (R2106C, R2106P) and in nearby residues (R2107C, R2107P, R2107H) have been reported in the Human Gene Mutation Database in association with ABCA4-related disorders (Stenson et al., 2014), supporting the functional importance of this region of the protein. Therefore, this variant is likely pathogenic; however, the possibility that it is benign cannot be excluded.

Literature cited by the submitters: PubMed 28327576 (cited by 3 submitters); PubMed 28947085 (cited by 3 submitters); PubMed 11379881 (cited by Labcorp Genetics (formerly Invitae), Labcorp); PubMed 23143460 (cited by Labcorp Genetics (formerly Invitae), Labcorp); PubMed 25283059 (cited by Labcorp Genetics (formerly Invitae), Labcorp); PubMed 28355279 (cited by Labcorp Genetics (formerly Invitae), Labcorp); PubMed 35657619 (cited by Women's Health and Genetics/Laboratory Corporation of America, LabCorp and Institute of Human Genetics, Univ. Regensburg, Univ. Regensburg); PubMed 29847651 (cited by Institute of Human Genetics, Univ. Regensburg, Univ. Regensburg); PubMed 31964843 (cited by Institute of Human Genetics, Univ. Regensburg, Univ. Regensburg); PubMed 32845068 (cited by Institute of Human Genetics, Univ. Regensburg, Univ. Regensburg); PubMed 33301772 (cited by Institute of Human Genetics, Univ. Regensburg, Univ. Regensburg); PubMed 36460718 (cited by Institute of Human Genetics, Univ. Regensburg, Univ. Regensburg).